The following is an entry in ClinVar:

NM_001256545.2(MEGF10):c.2150A>G (p.Asn717Ser)

Gene: MEGF10 (multiple EGF like domains 10; plus strand). Cytogenetic location: 5q23.2.
Variant type: single nucleotide variant.
Coding change: c.2150A>G on transcript NM_001256545.2 (MANE Select); coding-DNA position 2150, A replaced by G.
Protein change: p.Asn717Ser; replaces asparagine 717 with serine.
Molecular consequence: missense variant.
Genome position (GRCh38, 1-based): chr5:127,438,484, A>G. VCF-style: chr5-127438484-A-G. GRCh37 (hg19) VCF-style: chr5-126774176-A-G.
Other names: c.2150A>G, p.Asn717Ser (NM_032446.3); short protein forms N717S.
Identifiers: ClinVar variation 350658 (VCV000350658.12), dbSNP rs116135607, ClinGen allele CA3391857.

ClinVar aggregate classification (germline): Uncertain significance. Review status: criteria provided, multiple submitters, no conflicts (2 of 4 stars). 4 submissions from 4 submitters: Uncertain significance (4). Last evaluated 2026-01-17.

Conditions:
MEGF10-related myopathy (CMYO10A). Also called: Congenital myopathy 10A, severe variant. Identifiers: Orphanet 439212, MedGen C3280679, MONDO:0013731, OMIM 614399.

Allele frequency attached by ClinVar (database versions not stated): gnomAD 0.00013 and 0.00014; TOPMed 0.00014; gnomAD exomes 0.00020; ESP Exome Variant Server 0.00038.
gnomAD v4.1: 305 of 1,613,980 alleles (0.019%); highest among the groups gnomAD compares: Non-Finnish European, 0.024%; 1 homozygote.

Submissions (4):

Labcorp Genetics (formerly Invitae), Labcorp
Classification: Uncertain significance for MEGF10-related myopathy. Last evaluated: 2026-01-17. Review status: criteria provided, single submitter. Criteria: Invitae Variant Classification Sherloc (09022015). Collection method: clinical testing. Allele origin: germline.
Comment: This sequence change replaces asparagine, which is neutral and polar, with serine, which is neutral and polar, at codon 717 of the MEGF10 protein (p.Asn717Ser). This variant is present in population databases (rs116135607, gnomAD 0.04%). This variant has not been reported in the literature in individuals affected with MEGF10-related conditions. ClinVar contains an entry for this variant (Variation ID: 350658). Invitae Evidence Modeling of protein sequence and biophysical properties (such as structural, functional, and spatial information, amino acid conservation, physicochemical variation, residue mobility, and thermodynamic stability) indicates that this missense variant is not expected to disrupt MEGF10 protein function with a negative predictive value of 80%. In summary, the available evidence is currently insufficient to determine the role of this variant in disease. Therefore, it has been classified as a Variant of Uncertain Significance.

Blueprint Genetics
Classification: Uncertain significance. Last evaluated: 2024-11-25. Review status: criteria provided, single submitter. Criteria: ACMG Guidelines, 2015. Collection method: clinical testing. Allele origin: germline.

GeneDx
Classification: Uncertain significance. Last evaluated: 2022-06-13. Review status: criteria provided, single submitter. Criteria: GeneDx Variant Classification Process June 2021. Collection method: clinical testing. Allele origin: germline. Affected: yes.
Comment: Identified in an unaffected family member of a proband with sudden cardiac death, along with many other variants (Primorac et al., 2021); In silico analysis supports that this missense variant does not alter protein structure/function; This variant is associated with the following publications: (PMID: 33829027)

Illumina Laboratory Services, Illumina
Classification: Uncertain significance for MEGF10-related myopathy. Last evaluated: 2018-01-12. Review status: criteria provided, single submitter. Criteria: ICSL Variant Classification Criteria 13 December 2019. Collection method: clinical testing. Allele origin: germline.